The following is an entry in ClinVar:

NM_001130823.3(DNMT1):c.4746C>G (p.Phe1582Leu)

Genes: DNMT1 (DNA methyltransferase 1; minus strand), LOC126862853 (CDK7 strongly-dependent group 2 enhancer GRCh37_chr19:10246117-10247316; plus strand). Cytogenetic location: 19p13.2.
Variant type: single nucleotide variant.
Coding change: c.4746C>G on transcript NM_001130823.3 (MANE Select); coding-DNA position 4746, C replaced by G.
Protein change: p.Phe1582Leu; replaces phenylalanine 1582 with leucine.
Molecular consequence: missense variant.
Genome position (GRCh38, 1-based): chr19:10,135,763, G>C on the plus strand (C>G on the coding strand, the complement: DNMT1 is on the minus strand). VCF-style: chr19-10135763-G-C. GRCh37 (hg19) VCF-style: chr19-10246439-G-C.
Other names: c.4707C>G, p.Phe1569Leu (NM_001318730.2); c.4383C>G, p.Phe1461Leu (NM_001318731.2); c.4698C>G, p.Phe1566Leu (NM_001379.4); short protein forms F1461L, F1566L, F1569L, F1582L.
Identifiers: ClinVar variation 1695613 (VCV001695613.2), dbSNP rs780641040, ClinGen allele CA403967977.

ClinVar aggregate classification (germline): Uncertain significance (1 of 4 stars; one submission).

gnomAD v4.1: 1 of 1,604,656 alleles (0.000062%); no homozygotes.

Submission:

GeneDx
Classification: Uncertain significance. Last evaluated: 2022-01-07. Review status: criteria provided, single submitter. Criteria: GeneDx Variant Classification Process June 2021. Collection method: clinical testing. Allele origin: germline. Affected: yes.
Comment: Not observed at significant frequency in large population cohorts (gnomAD); In silico analysis supports that this missense variant has a deleterious effect on protein structure/function; Has not been previously published as pathogenic or benign to our knowledge